The following is an entry in ClinVar:

NM_000282.4(PCCA):c.1647G>A (p.Met549Ile)

Gene: PCCA (propionyl-CoA carboxylase subunit alpha; plus strand). Cytogenetic location: 13q32.3.
Variant type: single nucleotide variant.
Coding change: c.1647G>A on transcript NM_000282.4 (MANE Select); coding-DNA position 1647, G replaced by A.
Protein change: p.Met549Ile; replaces methionine 549 with isoleucine.
Molecular consequence: missense variant. On other transcripts: non-coding transcript variant (2).
Genome position (GRCh38, 1-based): chr13:100,368,475, G>A. VCF-style: chr13-100368475-G-A. GRCh37 (hg19) VCF-style: chr13-101020729-G-A.
Other names: c.1569G>A, p.Met523Ile (NM_001127692.3, NM_001352607.2); c.1647G>A, p.Met549Ile (NM_001178004.2, NM_001352605.2, NM_001352609.2); c.1503G>A, p.Met501Ile (NM_001352606.2); c.1425G>A, p.Met475Ile (NM_001352608.2); c.702G>A, p.Met234Ile (NM_001352610.2, NM_001352611.2); c.558G>A, p.Met186Ile (NM_001352612.2); short protein forms M549I, M186I, M523I, M234I, M475I, M501I.
Identifiers: ClinVar variation 1449588 (VCV001449588.5), dbSNP rs759831592, ClinGen allele CA7033740.

ClinVar aggregate classification (germline): Uncertain significance (1 of 4 stars; one submission).

Conditions:
Propionic acidemia (PROP). Also called: GLYCINEMIA, KETOTIC; HYPERGLYCINEMIA WITH KETOACIDOSIS AND LEUKOPENIA; KETOTIC HYPERGLYCINEMIA. Identifiers: Orphanet 35, MedGen C0268579, MONDO:0011628, OMIM 606054, HP:0003571.

Allele frequency attached by ClinVar (database versions not stated): gnomAD exomes below 0.00001; ExAC 0.00001; gnomAD 0.00001.
gnomAD v4.1: 6 of 1,529,508 alleles (0.00039%); highest among the groups gnomAD compares: Non-Finnish European, 0.00054%; no homozygotes.

Submission:

Labcorp Genetics (formerly Invitae), Labcorp
Classification: Uncertain significance for Propionic acidemia. Last evaluated: 2021-09-30. Review status: criteria provided, single submitter. Criteria: Invitae Variant Classification Sherloc (09022015). Collection method: clinical testing. Allele origin: germline.
Comment: This sequence change replaces methionine with isoleucine at codon 549 of the PCCA protein (p.Met549Ile). The methionine residue is weakly conserved and there is a small physicochemical difference between methionine and isoleucine. The frequency data for this variant in the population databases is considered unreliable, as metrics indicate poor data quality at this position in the ExAC database. This variant has not been reported in the literature in individuals with PCCA-related conditions. Algorithms developed to predict the effect of missense changes on protein structure and function output the following: SIFT: "Tolerated"; PolyPhen-2: "Benign"; Align-GVGD: "Class C0". The isoleucine amino acid residue is found in multiple mammalian species, suggesting that this missense change does not adversely affect protein function. These predictions have not been confirmed by published functional studies and their clinical significance is uncertain. In summary, the available evidence is currently insufficient to determine the role of this variant in disease. Therefore, it has been classified as a Variant of Uncertain Significance.